The following is an entry in ClinVar:

NM_000744.7(CHRNA4):c.439G>T (p.Gly147Trp)

Gene: CHRNA4 (cholinergic receptor nicotinic alpha 4 subunit; minus strand). Cytogenetic location: 20q13.33.
Variant type: single nucleotide variant.
Coding change: c.439G>T on transcript NM_000744.7 (MANE Select); coding-DNA position 439, G replaced by T.
Protein change: p.Gly147Trp; replaces glycine 147 with tryptophan.
Molecular consequence: missense variant. On other transcripts: 5 prime UTR variant (1), non-coding transcript variant (1).
Genome position (GRCh38, 1-based): chr20:63,350,972, C>A on the plus strand (G>T on the coding strand, the complement: CHRNA4 is on the minus strand). VCF-style: chr20-63350972-C-A. GRCh37 (hg19) VCF-style: chr20-61982324-C-A.
Other names: c.-90G>T (NM_001256573.2); short protein forms G147W.
Identifiers: ClinVar variation 1394328 (VCV001394328.8), dbSNP rs780556996, ClinGen allele CA409638710.

ClinVar aggregate classification (germline): Uncertain significance (1 of 4 stars; one submission).

Conditions:
Familial sleep-related hypermotor epilepsy. Also called: Autosomal Dominant Sleep-Related Hypermotor (Hyperkinetic) Epilepsy. Identifiers: Orphanet 98784, MedGen C3696898, MONDO:0000030.

Submission:

Labcorp Genetics (formerly Invitae), Labcorp
Classification: Uncertain significance. Last evaluated: 2021-05-10. Review status: criteria provided, single submitter. Criteria: Invitae Variant Classification Sherloc (09022015). Collection method: clinical testing. Allele origin: germline.
Comment: This sequence change replaces glycine with tryptophan at codon 147 of the CHRNA4 protein (p.Gly147Trp). The glycine residue is highly conserved and there is a large physicochemical difference between glycine and tryptophan. This variant is not present in population databases (ExAC no frequency). This variant has not been reported in the literature in individuals with CHRNA4-related conditions. Algorithms developed to predict the effect of missense changes on protein structure and function (SIFT, PolyPhen-2, Align-GVGD) all suggest that this variant is likely to be disruptive, but these predictions have not been confirmed by published functional studies and their clinical significance is uncertain. In summary, the available evidence is currently insufficient to determine the role of this variant in disease. Therefore, it has been classified as a Variant of Uncertain Significance.